The following is an entry in ClinVar:

NM_001378454.1(ALMS1):c.953G>A (p.Gly318Glu)

Gene: ALMS1 (ALMS1 centrosome and basal body associated protein; plus strand). Cytogenetic location: 2p13.1.
Variant type: single nucleotide variant.
Coding change: c.953G>A on transcript NM_001378454.1 (MANE Select); coding-DNA position 953, G replaced by A.
Protein change: p.Gly318Glu; replaces glycine 318 with glutamic acid.
Molecular consequence: missense variant.
Genome position (GRCh38, 1-based): chr2:73,424,618, G>A. VCF-style: chr2-73424618-G-A. GRCh37 (hg19) VCF-style: chr2-73651746-G-A.
Other names: c.956G>A, p.Gly319Glu (NM_015120.4); short protein forms G319E, G318E.
Identifiers: ClinVar variation 556129 (VCV000556129.9), dbSNP rs372886271, ClinGen allele CA1713018.

ClinVar aggregate classification (germline): Uncertain significance. Review status: criteria provided, multiple submitters, no conflicts (2 of 4 stars). 4 submissions from 4 submitters: Uncertain significance (3). 1 of the submissions does not count toward it. Last evaluated 2022-03-09.

Conditions:
Alstrom syndrome (ALMS). Identifiers: Orphanet 64, MedGen C0268425, MONDO:0008763, OMIM 203800.

Allele frequency attached by ClinVar (database versions not stated): gnomAD exomes below 0.00001; ExAC 0.00001; ESP Exome Variant Server 0.00008; gnomAD 0.00001; TOPMed 0.00001.
gnomAD v4.1: 5 of 1,613,762 alleles (0.00031%); highest among the groups gnomAD compares: Non-Finnish European, 0.00042%; no homozygotes.

Submissions (4):

Labcorp Genetics (formerly Invitae), Labcorp
Classification: Uncertain significance for Alstrom syndrome. Last evaluated: 2022-03-09. Review status: criteria provided, single submitter. Criteria: Invitae Variant Classification Sherloc (09022015). Collection method: clinical testing. Allele origin: germline.
Comment: This sequence change replaces glycine, which is neutral and non-polar, with glutamic acid, which is acidic and polar, at codon 319 of the ALMS1 protein (p.Gly319Glu). This variant is present in population databases (rs372886271, gnomAD 0.002%). This variant has not been reported in the literature in individuals affected with ALMS1-related conditions. ClinVar contains an entry for this variant (Variation ID: 556129). Experimental studies and prediction algorithms are not available or were not evaluated, and the functional significance of this variant is currently unknown. In summary, the available evidence is currently insufficient to determine the role of this variant in disease. Therefore, it has been classified as a Variant of Uncertain Significance.

Fulgent Genetics
Classification: Uncertain significance for Alstrom syndrome. Last evaluated: 2021-11-05. Review status: criteria provided, single submitter. Criteria: ACMG Guidelines, 2015. Collection method: clinical testing. Allele origin: unknown.

Laboratory for Molecular Medicine, Mass General Brigham Personalized Medicine
Classification: Uncertain significance. Last evaluated: 2020-08-14. Review status: criteria provided, single submitter. Criteria: LMM Criteria. Collection method: clinical testing. Allele origin: germline. Observed: 1 variant allele.
Comment: The p.Gly319Glu variant in ALMS1 has not been previously reported in individuals with Alstrom syndrome but has been identified in 0.0008% (1/113000) of European chromosomes by gnomAD. This variant has also been reported in ClinVar (Variation ID 556129). Computational prediction tools and conservation analyses do not provide strong support for or against an impact to the protein. In summary, the clinical significance of this variant is uncertain. ACMG/AMP Criteria applied: PM2.

Counsyl
Classification: Uncertain significance for Alstrom syndrome. Last evaluated: 2018-01-15. Review status: no assertion criteria provided. Collection method: clinical testing. Allele origin: unknown. Not counted in ClinVar's aggregate classification.